The following is an entry in ClinVar:

NM_001379286.1(ZNF423):c.100+8C>T

Gene: ZNF423 (zinc finger protein 423; minus strand). Cytogenetic location: 16q12.1.
Variant type: single nucleotide variant.
Coding change: c.100+8C>T on transcript NM_001379286.1 (MANE Select); 8 bases into the intron after coding-DNA position 100, C replaced by T.
Molecular consequence: intron variant.
Genome position (GRCh38, 1-based): chr16:49,789,479, G>A on the plus strand (C>T on the coding strand, the complement: ZNF423 is on the minus strand). VCF-style: chr16-49789479-G-A. GRCh37 (hg19) VCF-style: chr16-49823390-G-A.
Other names: c.76+8C>T (NM_015069.4, NM_015069.5); c.-105+8C>T (NM_001271620.2).
Identifiers: ClinVar variation 771559 (VCV000771559.14), dbSNP rs148101280, ClinGen allele CA8046972.

ClinVar aggregate classification (germline): Likely benign. Review status: criteria provided, multiple submitters, no conflicts (2 of 4 stars). 5 submissions from 5 submitters: Likely benign (2). 3 of the submissions do not count toward it. Last evaluated 2026-02-01.

Conditions:
Nephronophthisis 14 (NPHP14). Identifiers: Orphanet 2318, MedGen C3539071, MONDO:0013916, OMIM 614844.
ZNF423-related disorder. Also called: ZNF423-related condition.

Allele frequency attached by ClinVar (database versions not stated): ESP Exome Variant Server 0.00008; gnomAD exomes 0.00020 and 0.00027; TOPMed 0.00022; ExAC 0.00023; 1000 Genomes Project 0.00040; gnomAD 0.00041; 1000 Genomes Project 30x 0.00062.
gnomAD v4.1: 331 of 1,611,724 alleles (0.021%); highest among the groups gnomAD compares: Admixed American, 0.098%; no homozygotes.

Submissions (5):

Labcorp Genetics (formerly Invitae), Labcorp
Classification: Likely benign for Nephronophthisis 14. Last evaluated: 2026-02-01. Review status: criteria provided, single submitter. Criteria: Invitae Variant Classification Sherloc (09022015). Collection method: clinical testing. Allele origin: germline.

Blueprint Genetics
Classification: Likely benign. Last evaluated: 2024-10-31. Review status: criteria provided, single submitter. Criteria: ACMG Guidelines, 2015. Collection method: clinical testing. Allele origin: germline.

PreventionGenetics, part of Exact Sciences
Classification: Likely benign for ZNF423-related condition. Last evaluated: 2019-11-26. Review status: no assertion criteria provided. Collection method: clinical testing. Allele origin: germline. Not counted in ClinVar's aggregate classification.
Comment: This variant is classified as likely benign based on ACMG/AMP sequence variant interpretation guidelines (Richards et al. 2015 PMID: 25741868, with internal and published modifications).

Clinical Genetics DNA and cytogenetics Diagnostics Lab, Erasmus MC, Erasmus Medical Center
Classification: Likely benign. Review status: no assertion criteria provided. Collection method: clinical testing. Allele origin: germline. Affected: yes. Study: VKGL Data-share Consensus. Not counted in ClinVar's aggregate classification.

Genome Diagnostics Laboratory, University Medical Center Utrecht
Classification: Benign. Review status: no assertion criteria provided. Collection method: clinical testing. Allele origin: germline. Affected: yes. Study: VKGL Data-share Consensus. Not counted in ClinVar's aggregate classification.